The following is an entry in ClinVar:

NM_033064.5(ATCAY):c.*313G>A

Gene: ATCAY (ATCAY kinesin light chain interacting caytaxin; plus strand). Cytogenetic location: 19p13.3.
Variant type: single nucleotide variant.
Coding change: c.*313G>A on transcript NM_033064.5 (MANE Select); 313 bases downstream of the stop codon, G replaced by A.
Molecular consequence: 3 prime UTR variant.
Genome position (GRCh38, 1-based): chr19:3,924,905, G>A. VCF-style: chr19-3924905-G-A. GRCh37 (hg19) VCF-style: chr19-3924903-G-A.
Identifiers: ClinVar variation 329158 (VCV000329158.5), dbSNP rs141455019, ClinGen allele CA10652439.
Genomic context (GRCh38, chr19:3,924,905, plus strand): 5'-ACACTCACGAACTCTCAGCCGAGGAAGGCAAGAAGCGCAGGGGGTGGCCCGCGTGGCGTC[G>A]GTGGCCTCCGCTCCTGCTCGCAGCCTCTGTGGTCAGAGCTGGATACAAGATTCAAGACCC-3'

ClinVar aggregate classification (germline): Likely benign (1 of 4 stars; one submission).

Conditions:
Cayman type cerebellar ataxia. Also called: Cayman ataxia. Identifiers: Orphanet 94122, MedGen C1832585, MONDO:0011025, OMIM 601238.

Allele frequency attached by ClinVar (database versions not stated): gnomAD exomes 0.00047; 1000 Genomes Project 0.00200; 1000 Genomes Project 30x 0.00234; gnomAD 0.00357 and 0.00392; TOPMed 0.00383.
gnomAD v4.1: 643 of 364,282 alleles (0.18%); highest among the groups gnomAD compares: African/African-American, 1.3%; no homozygotes.

Submission:

Illumina Laboratory Services, Illumina
Classification: Likely benign for Cayman type cerebellar ataxia. Last evaluated: 2018-01-13. Review status: criteria provided, single submitter. Criteria: ICSL Variant Classification Criteria 13 December 2019. Collection method: clinical testing. Allele origin: germline.
Comment: This variant was observed in the ICSL laboratory as part of a predisposition screen in an ostensibly healthy population. It had not been previously curated by ICSL or reported in the Human Gene Mutation Database (HGMD: prior to June 1st, 2018), and was therefore a candidate for classification through an automated scoring system. Utilizing variant allele frequency, disease prevalence and penetrance estimates, and inheritance mode, an automated score was calculated to assess if this variant is too frequent to cause the disease. Based on the score and internal cut-off values, a variant classified as likely benign is not then subjected to further curation. The score for this variant resulted in a classification of likely benign for this disease.